The following is an entry in ClinVar:

NM_001384474.1(LOXHD1):c.2579C>T (p.Ala860Val)

Gene: LOXHD1 (lipoxygenase homology PLAT domains 1; minus strand). Cytogenetic location: 18q21.1.
Variant type: single nucleotide variant.
Coding change: c.2579C>T on transcript NM_001384474.1 (MANE Select); coding-DNA position 2579, C replaced by T.
Protein change: p.Ala860Val; replaces alanine 860 with valine.
Molecular consequence: missense variant.
Genome position (GRCh38, 1-based): chr18:46,563,084, G>A on the plus strand (C>T on the coding strand, the complement: LOXHD1 is on the minus strand). VCF-style: chr18-46563084-G-A. GRCh37 (hg19) VCF-style: chr18-44143047-G-A.
Other names: c.2579C>T, p.Ala860Val (NM_144612.7); c.2579C>T (NM_144612.6); short protein forms A860V.
Identifiers: ClinVar variation 4938985 (VCV004938985.2).

ClinVar aggregate classification (germline): Uncertain significance. Review status: criteria provided, multiple submitters, no conflicts (2 of 4 stars). 2 submissions from 2 submitters: Uncertain significance (2). Last evaluated 2025-11-17.

Conditions:
LOXHD1-related disorder. Also called: LOXHD1-related condition.

gnomAD v4.1: 119 of 1,543,546 alleles (0.0077%); highest among the groups gnomAD compares: African/African-American, 0.12%; no homozygotes.

Submissions (2):

PreventionGenetics, part of Exact Sciences
Classification: Uncertain significance for LOXHD1-related condition. Last evaluated: 2025-11-17. Review status: criteria provided, single submitter. Criteria: ACMG Guidelines, 2015. Collection method: clinical testing. Allele origin: germline.
Comment: The LOXHD1 c.2579C>T variant is predicted to result in the amino acid substitution p.Ala860Val. To our knowledge, this variant has not been reported in the literature. This variant is reported in 0.15% of alleles in individuals of African descent in gnomAD. Although we suspect that this variant may be benign, at this time, the clinical significance of this variant is uncertain due to the absence of conclusive functional and genetic evidence.

Blueprint Genetics
Classification: Uncertain significance. Last evaluated: 2024-08-20. Review status: criteria provided, single submitter. Criteria: ACMG Guidelines, 2015. Collection method: clinical testing. Allele origin: germline.